The following is an entry in ClinVar:

NM_000237.3(LPL):c.1033G>A (p.Val345Ile)

Gene: LPL (lipoprotein lipase; plus strand). Cytogenetic location: 8p21.3.
Variant type: single nucleotide variant.
Coding change: c.1033G>A on transcript NM_000237.3 (MANE Select); coding-DNA position 1033, G replaced by A.
Protein change: p.Val345Ile; replaces valine 345 with isoleucine.
Molecular consequence: missense variant.
Genome position (GRCh38, 1-based): chr8:19,959,274, G>A. VCF-style: chr8-19959274-G-A. GRCh37 (hg19) VCF-style: chr8-19816785-G-A.
Other names: p.Val345Ile; short protein forms V345I.
Identifiers: ClinVar variation 1771919 (VCV001771919.5), dbSNP rs749430133, ClinGen allele CA4655593.

ClinVar aggregate classification (germline): Uncertain significance. Review status: criteria provided, multiple submitters, no conflicts (2 of 4 stars). 3 submissions from 3 submitters: Uncertain significance (3). Last evaluated 2025-05-07.

Conditions:
Cardiovascular phenotype. Identifiers: MedGen CN230736.

Allele frequency attached by ClinVar (database versions not stated): TOPMed below 0.00001; gnomAD 0.00001; ExAC 0.00002.
gnomAD v4.1: 34 of 1,613,954 alleles (0.0021%); highest among the groups gnomAD compares: Non-Finnish European, 0.0027%; no homozygotes.

Submissions (3):

Ambry Genetics
Classification: Uncertain significance for Cardiovascular phenotype. Last evaluated: 2025-05-07. Review status: criteria provided, single submitter. Criteria: Ambry Variant Classification Scheme 2023. Collection method: clinical testing. Allele origin: germline.
Comment: The p.V345I variant (also known as c.1033G>A), located in coding exon 7 of the LPL gene, results from a G to A substitution at nucleotide position 1033. The valine at codon 345 is replaced by isoleucine, an amino acid with highly similar properties. This alteration, also reported as p.V318I, has been reported in both dyslipidemia and hypertriglyceridemia cohorts (Johansen CT et al. Nat Genet, 2010 Aug;42:684-7; Dron JS et al. BMC Med Genomics, 2020 02;13:23). This amino acid position is well conserved in available vertebrate species. In addition, this alteration is predicted to be tolerated by in silico analysis. Since supporting evidence is limited at this time, the clinical significance of this alteration remains unclear.

Women's Health and Genetics/Laboratory Corporation of America, LabCorp
Classification: Uncertain significance. Last evaluated: 2024-04-24. Review status: criteria provided, single submitter. Criteria: LabCorp Variant Classification Summary - May 2015. Collection method: clinical testing. Allele origin: germline.
Comment: Variant summary: LPL c.1033G>A (p.Val345Ile) results in a conservative amino acid change located in the PLAT/LH2 domain (IPR001024) of the encoded protein sequence. Four of five in-silico tools predict a benign effect of the variant on protein function. The variant allele was found at a frequency of 2e-05 in 251334 control chromosomes. The available data on variant occurrences in the general population are insufficient to allow any conclusion about variant significance. c.1033G>A has been reported in the literature in at least 1 individual affected with Hypertriglyceridemia, however the zygosity was not reported and it was not clear if other variants were detected (e.g. Johansen_2010, Deshotels_2022). These report(s) do not provide unequivocal conclusions about association of the variant with Hypertriglyceridemia. To our knowledge, no experimental evidence demonstrating an impact on protein function has been reported. The following publications have been ascertained in the context of this evaluation (PMID: 36325899, 20657596). ClinVar contains an entry for this variant (Variation ID: 1771919). Based on the evidence outlined above, the variant was classified as uncertain significance.

Mayo Clinic Laboratories, Mayo Clinic
Classification: Uncertain significance. Last evaluated: 2024-01-30. Review status: criteria provided, single submitter. Criteria: ACMG Guidelines, 2015. Collection method: clinical testing. Allele origin: germline. Observed: 1 variant allele.

Literature cited by the submitters: PubMed 20657596 (cited by 3 submitters); PubMed 32041611 (cited by Ambry Genetics and Mayo Clinic Laboratories, Mayo Clinic); PubMed 36325899 (cited by 3 submitters).